The following is an entry in ClinVar:

NM_001379286.1(ZNF423):c.275A>G (p.Asp92Gly)

Gene: ZNF423 (zinc finger protein 423; minus strand). Cytogenetic location: 16q12.1.
Variant type: single nucleotide variant.
Coding change: c.275A>G on transcript NM_001379286.1 (MANE Select); coding-DNA position 275, A replaced by G.
Protein change: p.Asp92Gly; replaces aspartic acid 92 with glycine.
Molecular consequence: missense variant.
Genome position (GRCh38, 1-based): chr16:49,730,797, T>C on the plus strand (A>G on the coding strand, the complement: ZNF423 is on the minus strand). VCF-style: chr16-49730797-T-C. GRCh37 (hg19) VCF-style: chr16-49764708-T-C.
Other names: c.71A>G, p.Asp24Gly (NM_001271620.2); c.251A>G, p.Asp84Gly (NM_015069.5); short protein forms D24G, D84G, D92G.
Identifiers: ClinVar variation 1024670 (VCV001024670.8), dbSNP rs1413215435, ClinGen allele CA396110208.

ClinVar aggregate classification (germline): Uncertain significance (1 of 4 stars; one submission).

Conditions:
Nephronophthisis 14 (NPHP14). Identifiers: Orphanet 2318, MedGen C3539071, MONDO:0013916, OMIM 614844.

Submission:

Labcorp Genetics (formerly Invitae), Labcorp
Classification: Uncertain significance for Nephronophthisis 14. Last evaluated: 2020-03-20. Review status: criteria provided, single submitter. Criteria: Invitae Variant Classification Sherloc (09022015). Collection method: clinical testing. Allele origin: germline.
Comment: This variant has not been reported in the literature in individuals with ZNF423-related conditions. Algorithms developed to predict the effect of missense changes on protein structure and function (SIFT, PolyPhen-2, Align-GVGD) all suggest that this variant is likely to be tolerated, but these predictions have not been confirmed by published functional studies and their clinical significance is uncertain. In summary, the available evidence is currently insufficient to determine the role of this variant in disease. Therefore, it has been classified as a Variant of Uncertain Significance. This variant is not present in population databases (ExAC no frequency). This sequence change replaces aspartic acid with glycine at codon 84 of the ZNF423 protein (p.Asp84Gly). The aspartic acid residue is weakly conserved and there is a moderate physicochemical difference between aspartic acid and glycine.